The following is an entry in ClinVar:

NM_006206.6(PDGFRA):c.2740C>T (p.Arg914Trp)

Gene: PDGFRA (platelet derived growth factor receptor alpha; plus strand). Cytogenetic location: 4q12.
Variant type: single nucleotide variant.
Coding change: c.2740C>T on transcript NM_006206.6 (MANE Select); coding-DNA position 2740, C replaced by T.
Protein change: p.Arg914Trp; replaces arginine 914 with tryptophan.
Molecular consequence: missense variant.
Genome position (GRCh38, 1-based): chr4:54,288,864, C>T. VCF-style: chr4-54288864-C-T. GRCh37 (hg19) VCF-style: chr4-55155031-C-T.
Other names: c.2815C>T, p.Arg939Trp (NM_001347828.2); c.2740C>T, p.Arg914Trp (NM_001347829.2); c.2779C>T, p.Arg927Trp (NM_001347830.2); short protein forms R914W, R939W, R927W.
Identifiers: ClinVar variation 573298 (VCV000573298.13), dbSNP rs1560491736, ClinGen allele CA356895549.
Genomic context (GRCh38, chr4:54,288,864, plus strand): 5'-ACCCCTTACCCCGGCATGATGGTGGATTCTACTTTCTACAATAAGATCAAGAGTGGGTAC[C>T]GGATGGCCAAGCCTGACCACGCTACCAGTGAAGTGTGAGCTCCTTCCCCATCCCGGGGGC-3'
Protein context (NP_006197.1, residues 904-924): TFYNKIKSGY[Arg914Trp]MAKPDHATSE

ClinVar aggregate classification (germline): Uncertain significance. Review status: criteria provided, multiple submitters, no conflicts (2 of 4 stars). 2 submissions from 2 submitters: Uncertain significance (2). Last evaluated 2021-12-30.

Conditions:
Gastrointestinal stromal tumor. Also called: Gastrointestinal stromal tumor, somatic; Gastrointestinal stroma tumor. Identifiers: Orphanet 44890, MedGen C0238198, MeSH D046152, MONDO:0011719, OMIM 606764, HP:0100723.
Hereditary cancer-predisposing syndrome. Also called: Hereditary Cancer Syndrome; Tumor predisposition; Neoplastic Syndromes, Hereditary; Hereditary neoplastic syndrome. Identifiers: Orphanet 140162, MedGen C0027672, MeSH D009386, MONDO:0015356.

Submissions (2):

Ambry Genetics
Classification: Uncertain significance for Hereditary cancer-predisposing syndrome. Last evaluated: 2021-12-30. Review status: criteria provided, single submitter. Criteria: Ambry Variant Classification Scheme 2023. Collection method: clinical testing. Allele origin: germline.
Comment: The p.R914W variant (also known as c.2740C>T), located in coding exon 19 of the PDGFRA gene, results from a C to T substitution at nucleotide position 2740. The arginine at codon 914 is replaced by tryptophan, an amino acid with dissimilar properties. This amino acid position is conserved. In addition, this alteration is predicted to be deleterious by in silico analysis. Since supporting evidence is limited at this time, the clinical significance of this alteration remains unclear.

Labcorp Genetics (formerly Invitae), Labcorp
Classification: Uncertain significance for Gastrointestinal stromal tumor. Last evaluated: 2021-03-02. Review status: criteria provided, single submitter. Criteria: Invitae Variant Classification Sherloc (09022015). Collection method: clinical testing. Allele origin: germline.
Comment: This sequence change replaces arginine with tryptophan at codon 914 of the PDGFRA protein (p.Arg914Trp). The arginine residue is highly conserved and there is a moderate physicochemical difference between arginine and tryptophan. This variant is not present in population databases (ExAC no frequency). This variant has not been reported in the literature in individuals with PDGFRA-related disease. Algorithms developed to predict the effect of missense changes on protein structure and function do not agree on the potential impact of this missense change (SIFT: "Deleterious"; PolyPhen-2: "Probably Damaging"; Align-GVGD: "Class C0"). In summary, the available evidence is currently insufficient to determine the role of this variant in disease. Therefore, it has been classified as a Variant of Uncertain Significance.